The following is an entry in ClinVar:

ClinVar aggregate classification (germline): Uncertain significance (1 of 4 stars; one submission).

gnomAD v4.1: 2 of 1,613,818 alleles (0.00012%); highest among the groups gnomAD compares: Non-Finnish European, 0.00017%; no homozygotes.

Submission:

GeneDx
Classification: Uncertain significance. Last evaluated: 2025-04-06. Review status: criteria provided, single submitter. Criteria: GeneDx Variant Classification Process June 2021. Collection method: clinical testing. Allele origin: germline. Affected: yes.
Comment: Not observed at significant frequency in large population cohorts (gnomAD); In silico analysis supports that this missense variant has a deleterious effect on protein structure/function; Has not been previously published as pathogenic or benign to our knowledge

NM_024422.6(DSC2):c.650C>T (p.Thr217Ile)

Gene: DSC2 (desmocollin 2; minus strand). Cytogenetic location: 18q12.1.
Variant type: single nucleotide variant.
Coding change: c.650C>T on transcript NM_024422.6 (MANE Select); coding-DNA position 650, C replaced by T.
Protein change: p.Thr217Ile; replaces threonine 217 with isoleucine.
Molecular consequence: missense variant.
Genome position (GRCh38, 1-based): chr18:31,087,794, G>A on the plus strand (C>T on the coding strand, the complement: DSC2 is on the minus strand). VCF-style: chr18-31087794-G-A. GRCh37 (hg19) VCF-style: chr18-28667757-G-A.
Other names: c.221C>T, p.Thr74Ile (NM_001406506.1, NM_001406507.1); c.650C>T, p.Thr217Ile (NM_004949.5); short protein forms T217I, T74I.
Identifiers: ClinVar variation 4278732 (VCV004278732.1).